The following is an entry in ClinVar:

NM_001083961.2(WDR62):c.4170A>C (p.Leu1390Phe)

Gene: WDR62 (WD repeat domain 62; plus strand). Cytogenetic location: 19q13.12.
Variant type: single nucleotide variant.
Coding change: c.4170A>C on transcript NM_001083961.2 (MANE Select); coding-DNA position 4170, A replaced by C.
Protein change: p.Leu1390Phe; replaces leucine 1390 with phenylalanine.
Molecular consequence: missense variant.
Genome position (GRCh38, 1-based): chr19:36,104,534, A>C. VCF-style: chr19-36104534-A-C. GRCh37 (hg19) VCF-style: chr19-36595436-A-C.
Other names: c.4155A>C, p.Leu1385Phe (NM_173636.5); short protein forms L1390F, L1385F.
Identifiers: ClinVar variation 160301 (VCV000160301.31), dbSNP rs1008328, ClinGen allele CA173941.

ClinVar aggregate classification (germline): Benign. Review status: criteria provided, multiple submitters, no conflicts (2 of 4 stars). 14 submissions from 14 submitters: Benign (12). 2 of the submissions do not count toward it. Last evaluated 2026-02-03.

Conditions:
Microcephaly 2, primary, autosomal recessive, with or without cortical malformations. Also called: WDR62 Primary Microcephaly; MICROCEPHALY 2, PRIMARY, AUTOSOMAL RECESSIVE, WITH CORTICAL MALFORMATIONS. Identifiers: Orphanet 2512, MedGen C1858535, MONDO:0011435, OMIM 604317.

Allele frequency attached by ClinVar (database versions not stated): gnomAD 0.74951 and 0.75234; 1000 Genomes Project 0.71625; gnomAD exomes 0.76301 and 0.75038; 1000 Genomes Project 30x 0.71690; ExAC 0.74278; TOPMed 0.75135; ESP Exome Variant Server 0.74904.
gnomAD v4.1: 1,228,237 of 1,613,644 alleles (76%); highest among the groups gnomAD compares: Admixed American, 80%; 469,035 homozygotes.

Submissions (14):

Labcorp Genetics (formerly Invitae), Labcorp
Classification: Benign. Last evaluated: 2026-02-03. Review status: criteria provided, single submitter. Criteria: Invitae Variant Classification Sherloc (09022015). Collection method: clinical testing. Allele origin: germline.

Blueprint Genetics
Classification: Benign. Last evaluated: 2024-11-28. Review status: criteria provided, single submitter. Criteria: ACMG Guidelines, 2015. Collection method: clinical testing. Allele origin: germline.

Genome-Nilou Lab
Classification: Benign for Microcephaly 2, primary, autosomal recessive, with or without cortical malformations. Last evaluated: 2021-12-05. Review status: criteria provided, single submitter. Criteria: ACMG Guidelines, 2015. Collection method: clinical testing. Allele origin: germline. Affected: no.

Mayo Clinic Laboratories, Mayo Clinic
Classification: Benign. Last evaluated: 2018-04-02. Review status: criteria provided, single submitter. Criteria: ACMG Guidelines, 2015. Collection method: clinical testing. Allele origin: germline. Observed: 507 variant alleles.

Illumina Laboratory Services, Illumina
Classification: Benign for Microcephaly 2, primary, autosomal recessive, with or without cortical malformations. Last evaluated: 2018-01-13. Review status: criteria provided, single submitter. Criteria: ICSL Variant Classification Criteria 13 December 2019. Collection method: clinical testing. Allele origin: germline.
Comment: This variant was observed in the ICSL laboratory as part of a predisposition screen in an ostensibly healthy population. It had not been previously curated by ICSL or reported in the Human Gene Mutation Database (HGMD: prior to June 1st, 2018), and was therefore a candidate for classification through an automated scoring system. Utilizing variant allele frequency, disease prevalence and penetrance estimates, and inheritance mode, an automated score was calculated to assess if this variant is too frequent to cause the disease. Based on the score and internal cut-off values, a variant classified as benign is not then subjected to further curation. The score for this variant resulted in a classification of benign for this disease.

Athena Diagnostics
Classification: Benign. Last evaluated: 2017-06-05. Review status: criteria provided, single submitter. Criteria: Athena Diagnostics Criteria. Collection method: clinical testing. Allele origin: germline.

Clinical Genetics DNA and cytogenetics Diagnostics Lab, Erasmus MC, Erasmus Medical Center
Classification: Benign for Microcephaly 2, primary, autosomal recessive, with or without cortical malformations. Last evaluated: 2015-09-21. Review status: criteria provided, single submitter. Criteria: ACGS Guidelines, 2013. Collection method: clinical testing. Allele origin: germline. Affected: yes. Study: VKGL Data-share Consensus.

GeneDx
Classification: Benign. Last evaluated: 2015-03-03. Review status: criteria provided, single submitter. Criteria: GeneDx Variant Classification Process June 2021. Collection method: clinical testing. Allele origin: germline. Affected: yes.

Eurofins Ntd Llc (ga)
Classification: Benign. Last evaluated: 2014-01-24. Review status: criteria provided, single submitter. Criteria: EGL Classification Definitions 2015. Collection method: clinical testing. Allele origin: germline. Observed: 2 variant alleles, 1 heterozygote, 1 homozygote.

Genetic Services Laboratory, University of Chicago
Classification: Benign. Last evaluated: 2013-02-08. Review status: criteria provided, single submitter. Criteria: ACMG Guidelines, 2007. Collection method: clinical testing. Allele origin: germline. Inheritance: Autosomal recessive inheritance.

Breakthrough Genomics
Classification: Benign. Review status: criteria provided, single submitter. Criteria: ACMG Guidelines, 2015. Collection method: not provided. Allele origin: germline. Inheritance: Autosomal recessive inheritance. Affected: yes.

PreventionGenetics, part of Exact Sciences
Classification: Benign. Review status: criteria provided, single submitter. Criteria: ACMG Guidelines, 2015. Collection method: clinical testing. Allele origin: germline.

Diagnostic Laboratory, Department of Genetics, University Medical Center Groningen
Classification: Benign for Microcephaly 2, primary, autosomal recessive, with or without cortical malformations. Review status: no assertion criteria provided. Collection method: clinical testing. Allele origin: germline. Affected: yes. Study: VKGL Data-share Consensus. Not counted in ClinVar's aggregate classification.

Joint Genome Diagnostic Labs from Nijmegen and Maastricht, Radboudumc and MUMC+
Classification: Benign. Review status: no assertion criteria provided. Collection method: clinical testing. Allele origin: germline. Affected: yes. Study: VKGL Data-share Consensus. Not counted in ClinVar's aggregate classification.